The following is an entry in ClinVar:

NM_002617.4(PEX10):c.504_507del (p.Gln169fs)

Gene: PEX10 (peroxisomal biogenesis factor 10; minus strand). Cytogenetic location: 1p36.32.
Variant type: Deletion.
Coding change: c.504_507del on transcript NM_002617.4 (MANE Select); coding-DNA positions 504 to 507, 4 bases deleted (ACAG; older notation c.504_507delACAG).
Protein change: p.Gln169fs; shifts the reading frame from glutamine 169.
Molecular consequence: frameshift variant. On other transcripts: non-coding transcript variant (1).
Genome position (GRCh38, 1-based): chr1:2,408,545-2,408,548, CTGT deleted on the plus strand (ACAG on the coding strand, the reverse complement: PEX10 is on the minus strand); deleting any 4 consecutive bases within chr1:2,408,545-2,408,551 gives the same sequence; the c. name uses the placement nearest the transcript's 3' end. VCF-style (leftmost placement, unchanged base first): chr1-2408544-CCTGT-C. GRCh37 (hg19) VCF-style: chr1-2339983-CCTGT-C.
Other names: c.504_507del, p.Gln169fs (NM_001374425.1, NM_153818.2); c.72_75del, p.Gln25fs (NM_001374426.1, NM_001374427.1); short protein forms Q169fs, Q25fs.
Identifiers: ClinVar variation 1071671 (VCV001071671.5), dbSNP rs2100428321, ClinGen allele CA2499214620.
Genomic context (GRCh38, chr1:2,408,544, plus strand): 5'-GGTAGAAGACACCGTGGATGTAAAACCAGGCAACATGTAGCCGCTGGAGGCAGGCGAGGC[CCTGT>C]CTGAGGACGAAGACCGCCCGCAGCAGCGCCCTCCTCTGCTGCTCAGTCAGGGTGGCCGTG-3'

ClinVar aggregate classification (germline): Pathogenic (1 of 4 stars; one submission).

Conditions:
Peroxisome biogenesis disorder, complementation group 7 (CG7). Also called: Peroxisome biogenesis disorder, complementation group B. Identifiers: MedGen C1864399.

Submission:

Labcorp Genetics (formerly Invitae), Labcorp
Classification: Pathogenic for Peroxisome biogenesis disorder, complementation group 7. Last evaluated: 2023-01-05. Review status: criteria provided, single submitter. Criteria: Invitae Variant Classification Sherloc (09022015). Collection method: clinical testing. Allele origin: germline.
Comment: For these reasons, this variant has been classified as Pathogenic. ClinVar contains an entry for this variant (Variation ID: 1071671). This variant has not been reported in the literature in individuals affected with PEX10-related conditions. This variant is not present in population databases (gnomAD no frequency). This sequence change creates a premature translational stop signal (p.Gln169Alafs*34) in the PEX10 gene. It is expected to result in an absent or disrupted protein product. Loss-of-function variants in PEX10 are known to be pathogenic (PMID: 9683594, 10862081, 21031596).

Literature cited by the submitters: PubMed 9683594; PubMed 10862081; PubMed 21031596.